The following is an entry in ClinVar:

ClinVar aggregate classification (germline): Uncertain significance (1 of 4 stars; one submission).

Allele frequency attached by ClinVar (database versions not stated): ExAC 0.00001; TOPMed 0.00001.
gnomAD v4.1: 7 of 1,614,230 alleles (0.00043%); highest among the groups gnomAD compares: South Asian, 0.0011%; no homozygotes.

Submission:

Labcorp Genetics (formerly Invitae), Labcorp
Classification: Uncertain significance. Last evaluated: 2022-05-20. Review status: criteria provided, single submitter. Criteria: Invitae Variant Classification Sherloc (09022015). Collection method: clinical testing. Allele origin: germline.
Comment: Algorithms developed to predict the effect of missense changes on protein structure and function (SIFT, PolyPhen-2, Align-GVGD) all suggest that this variant is likely to be tolerated. This variant has not been reported in the literature in individuals affected with ARHGAP31-related conditions. This sequence change replaces proline, which is neutral and non-polar, with serine, which is neutral and polar, at codon 947 of the ARHGAP31 protein (p.Pro947Ser). This variant is present in population databases (rs748935487, gnomAD 0.0009%). In summary, the available evidence is currently insufficient to determine the role of this variant in disease. Therefore, it has been classified as a Variant of Uncertain Significance.

NM_020754.4(ARHGAP31):c.2839C>T (p.Pro947Ser)

Gene: ARHGAP31 (Rho GTPase activating protein 31; plus strand). Cytogenetic location: 3q13.33.
Variant type: single nucleotide variant.
Coding change: c.2839C>T on transcript NM_020754.4 (MANE Select); coding-DNA position 2839, C replaced by T.
Protein change: p.Pro947Ser; replaces proline 947 with serine.
Molecular consequence: missense variant.
Genome position (GRCh38, 1-based): chr3:119,414,768, C>T. VCF-style: chr3-119414768-C-T. GRCh37 (hg19) VCF-style: chr3-119133615-C-T.
Other names: short protein forms P947S.
Identifiers: ClinVar variation 2166968 (VCV002166968.4), dbSNP rs748935487, ClinGen allele CA2554105.